The following is an entry in ClinVar:

NM_052876.4(NACC1):c.700G>A (p.Ala234Thr)

Gene: NACC1 (nucleus accumbens associated 1; plus strand). Cytogenetic location: 19p13.13.
Variant type: single nucleotide variant.
Coding change: c.700G>A on transcript NM_052876.4 (MANE Select); coding-DNA position 700, G replaced by A.
Protein change: p.Ala234Thr; replaces alanine 234 with threonine.
Molecular consequence: missense variant.
Genome position (GRCh38, 1-based): chr19:13,135,907, G>A. VCF-style: chr19-13135907-G-A. GRCh37 (hg19) VCF-style: chr19-13246721-G-A.
Other names: short protein forms A234T.
Identifiers: ClinVar variation 1482918 (VCV001482918.6), dbSNP rs1440981894, ClinGen allele CA404325929.

ClinVar aggregate classification (germline): Uncertain significance (1 of 4 stars; one submission).

Allele frequency attached by ClinVar (database versions not stated): gnomAD 0.00001; gnomAD exomes 0.00001.
gnomAD v4.1: 20 of 1,566,078 alleles (0.0013%); highest among the groups gnomAD compares: South Asian, 0.0035%; no homozygotes.

Submission:

Labcorp Genetics (formerly Invitae), Labcorp
Classification: Uncertain significance. Last evaluated: 2024-01-17. Review status: criteria provided, single submitter. Criteria: Invitae Variant Classification Sherloc (09022015). Collection method: clinical testing. Allele origin: germline.
Comment: This sequence change replaces alanine, which is neutral and non-polar, with threonine, which is neutral and polar, at codon 234 of the NACC1 protein (p.Ala234Thr). The frequency data for this variant in the population databases is considered unreliable, as metrics indicate poor data quality at this position in the gnomAD database. This variant has not been reported in the literature in individuals affected with NACC1-related conditions. ClinVar contains an entry for this variant (Variation ID: 1482918). Advanced modeling of protein sequence and biophysical properties (such as structural, functional, and spatial information, amino acid conservation, physicochemical variation, residue mobility, and thermodynamic stability) performed at Invitae indicates that this missense variant is not expected to disrupt NACC1 protein function with a negative predictive value of 80%. In summary, the available evidence is currently insufficient to determine the role of this variant in disease. Therefore, it has been classified as a Variant of Uncertain Significance.